The following is an entry in ClinVar:

ClinVar aggregate classification (germline): Uncertain significance (1 of 4 stars; one submission).

Conditions:
Glycine encephalopathy. Also called: Nonketotic hyperglycinemia; Non-ketotic hyperglycinemia. Identifiers: Orphanet 407, MedGen C0751748, MONDO:0011612, HP:0008288.

Submission:

Labcorp Genetics (formerly Invitae), Labcorp
Classification: Uncertain significance for Glycine encephalopathy. Last evaluated: 2020-10-30. Review status: criteria provided, single submitter. Criteria: Invitae Variant Classification Sherloc (09022015). Collection method: clinical testing. Allele origin: germline.
Comment: In summary, the available evidence is currently insufficient to determine the role of this variant in disease. Therefore, it has been classified as a Variant of Uncertain Significance. Advanced modeling of protein sequence and biophysical properties (such as structural, functional, and spatial information, amino acid conservation, physicochemical variation, residue mobility, and thermodynamic stability) performed at Invitae indicates that this missense variant is expected to disrupt GLDC protein function. This variant has not been reported in the literature in individuals with GLDC-related conditions. This variant is not present in population databases (ExAC no frequency). This sequence change replaces lysine with glutamine at codon 883 of the GLDC protein (p.Lys883Gln). The lysine residue is highly conserved and there is a small physicochemical difference between lysine and glutamine.

NM_000170.3(GLDC):c.2647A>C (p.Lys883Gln)

Gene: GLDC (glycine decarboxylase; minus strand). Cytogenetic location: 9p24.1.
Variant type: single nucleotide variant.
Coding change: c.2647A>C on transcript NM_000170.3 (MANE Select); coding-DNA position 2647, A replaced by C.
Protein change: p.Lys883Gln; replaces lysine 883 with glutamine.
Molecular consequence: missense variant.
Genome position (GRCh38, 1-based): chr9:6,540,069, T>G on the plus strand (A>C on the coding strand, the complement: GLDC is on the minus strand). VCF-style: chr9-6540069-T-G. GRCh37 (hg19) VCF-style: chr9-6540069-T-G.
Other names: short protein forms K883Q.
Identifiers: ClinVar variation 1510001 (VCV001510001.8), dbSNP rs2129663030, ClinGen allele CA372883499.